The following is an entry in ClinVar:

NM_024923.4(NUP210):c.2599C>T (p.His867Tyr)

Gene: NUP210 (nucleoporin 210; minus strand). Cytogenetic location: 3p25.1.
Variant type: single nucleotide variant.
Coding change: c.2599C>T on transcript NM_024923.4 (MANE Select); coding-DNA position 2599, C replaced by T.
Protein change: p.His867Tyr; replaces histidine 867 with tyrosine.
Molecular consequence: missense variant.
Genome position (GRCh38, 1-based): chr3:13,353,583, G>A on the plus strand (C>T on the coding strand, the complement: NUP210 is on the minus strand). VCF-style: chr3-13353583-G-A. GRCh37 (hg19) VCF-style: chr3-13395083-G-A.
Other names: short protein forms H867Y.
Identifiers: ClinVar variation 3032707 (VCV003032707.2), dbSNP rs557640102, ClinGen allele CA2263814.

ClinVar aggregate classification (germline): Likely benign (0 of 4 stars; one submission).

Conditions:
NUP210-related disorder. Also called: NUP210-related condition.

Allele frequency attached by ClinVar (database versions not stated): gnomAD 0.00002; gnomAD exomes 0.00003; TOPMed 0.00004; ExAC 0.00014; 1000 Genomes Project 30x 0.00016; 1000 Genomes Project 0.00020.
gnomAD v4.1: 52 of 1,614,104 alleles (0.0032%); highest among the groups gnomAD compares: East Asian, 0.1%; no homozygotes.

Submission:

PreventionGenetics, part of Exact Sciences
Classification: Likely benign for NUP210-related condition. Last evaluated: 2022-03-31. Review status: no assertion criteria provided. Collection method: clinical testing. Allele origin: germline.
Comment: This variant is classified as likely benign based on ACMG/AMP sequence variant interpretation guidelines (Richards et al. 2015 PMID: 25741868, with internal and published modifications).